The following is an entry in ClinVar:

ClinVar aggregate classification (germline): Uncertain significance. Review status: criteria provided, multiple submitters, no conflicts (2 of 4 stars). 3 submissions from 3 submitters: Uncertain significance (3). Last evaluated 2025-11-13.

Conditions:
TGFBI-related disorder. Also called: TGFBI-related condition.
Corneal dystrophy, lattice type 3A (CDL3A). Also called: Lattice corneal dystrophy type III A. Identifiers: Orphanet 98964, MedGen C1837974, MONDO:0012044, OMIM 608471.
Groenouw corneal dystrophy type I (CDGG1). Also called: GRANULAR CORNEAL DYSTROPHY, TYPE I. Identifiers: Orphanet 98962, MedGen C1641846, MONDO:0007377, OMIM 121900.
Corneal dystrophy. Identifiers: Orphanet 34533, MedGen C0010036, MONDO:0018102, HP:0001131.

Allele frequency attached by ClinVar (database versions not stated): TOPMed below 0.00001; gnomAD exomes 0.00005 and 0.00010; gnomAD 0.00004; ExAC 0.00008.

Submissions (3):

3billion
Classification: Uncertain significance for TGFBI-related disorder. Last evaluated: 2025-11-13. Review status: criteria provided, single submitter. Criteria: ACMG Guidelines, 2015. Collection method: clinical testing. Allele origin: germline. Affected: yes.
Comment: The variant is observed at an allele frequency of 0.0052% in the gnomAD v2.1.0 dataset. Predicted Consequence/Location: The variant is located in a mutational hot spot and/or well-established functional domain in which established pathogenic variants have been reported (PMID: 30830990). Missense variant. Missense changes are a common disease-causing mechanism. In silico tool predictions suggest damaging effect of the variant on gene or gene product [REVEL: 0.76 (>=0.6, sensitivity 0.68 and specificity 0.92)]. The same nucleotide change resulting in the same amino acid change has been previously reported to be associated with TGFBI-related disorder (PMID: 11024425). However, the evidence of pathogenicity is insufficient at this time. Therefore, this variant is classified as VUS according to the recommendation of ACMG/AMP guideline.

Illumina Laboratory Services, Illumina
Classification: Uncertain significance for Corneal dystrophy. Last evaluated: 2017-05-03. Review status: criteria provided, single submitter. Criteria: ICSL Variant Classification Criteria 13 December 2019. Collection method: clinical testing. Allele origin: germline.

Soonchunhyang University Bucheon Hospital, Soonchunhyang University Medical Center
Classification: Uncertain significance for Groenouw corneal dystrophy type I; Corneal dystrophy, lattice type 3A. Last evaluated: 2016-03-18. Review status: criteria provided, single submitter. Criteria: ACMG Guidelines, 2015. Collection method: reference population. Allele origin: germline. Observed: 2 variant alleles.

Literature cited by the submitters: PubMed 11024425 (cited by 3billion and Soonchunhyang University Bucheon Hospital, Soonchunhyang University Medical Center); PubMed 11923233 (cited by Soonchunhyang University Bucheon Hospital, Soonchunhyang University Medical Center); PubMed 19337156 (cited by Soonchunhyang University Bucheon Hospital, Soonchunhyang University Medical Center).

NM_000358.3(TGFBI):c.1631A>G (p.Asn544Ser)

Gene: TGFBI (transforming growth factor beta induced; plus strand). Cytogenetic location: 5q31.1.
Variant type: single nucleotide variant.
Coding change: c.1631A>G on transcript NM_000358.3 (MANE Select); coding-DNA position 1631, A replaced by G.
Protein change: p.Asn544Ser; replaces asparagine 544 with serine.
Molecular consequence: missense variant.
Genome position (GRCh38, 1-based): chr5:136,056,748, A>G. VCF-style: chr5-136056748-A-G. GRCh37 (hg19) VCF-style: chr5-135392437-A-G.
Other names: short protein forms N544S.
Identifiers: ClinVar variation 225487 (VCV000225487.6), dbSNP rs777288957, ClinGen allele CA3420472.
Genomic context (GRCh38, chr5:136,056,748, plus strand): 5'-CTGCAGGACTGACGGAGACCCTCAACCGGGAAGGAGTCTACACAGTCTTTGCTCCCACAA[A>G]TGAAGCCTTCCGAGCCCTGCCACCAAGAGAACGGAGCAGACTCTTGGGTAAAGACCAACT-3'
Protein context (NP_000349.1, residues 534-554): EGVYTVFAPT[Asn544Ser]EAFRALPPRE